The following is an entry in ClinVar:

NM_020706.2(SCAF4):c.641C>G (p.Pro214Arg)

Gene: SCAF4 (SR-related CTD associated factor 4; minus strand). Cytogenetic location: 21q22.11.
Variant type: single nucleotide variant.
Coding change: c.641C>G on transcript NM_020706.2 (MANE Select); coding-DNA position 641, C replaced by G.
Protein change: p.Pro214Arg; replaces proline 214 with arginine.
Molecular consequence: missense variant.
Genome position (GRCh38, 1-based): chr21:31,701,131, G>C on the plus strand (C>G on the coding strand, the complement: SCAF4 is on the minus strand). VCF-style: chr21-31701131-G-C. GRCh37 (hg19) VCF-style: chr21-33073444-G-C.
Other names: c.596C>G, p.Pro199Arg (NM_001145444.1); c.641C>G, p.Pro214Arg (NM_001145445.1); short protein forms P199R, P214R.
Identifiers: ClinVar variation 1710416 (VCV001710416.3), dbSNP rs750542872, ClinGen allele CA410050135.

ClinVar aggregate classification (germline): Uncertain significance (1 of 4 stars; one submission).

Submission:

Greenwood Genetic Center Diagnostic Laboratories, Greenwood Genetic Center
Classification: Uncertain significance. Last evaluated: 2022-09-26. Review status: criteria provided, single submitter. Criteria: ACMG Guidelines, 2015. Collection method: clinical testing. Allele origin: germline. Affected: yes.
Comment: Gene of Uncertain Significance